The following is an entry in ClinVar:

ClinVar aggregate classification (germline): Uncertain significance (1 of 4 stars; one submission).

Allele frequency attached by ClinVar (database versions not stated): gnomAD exomes below 0.00001; gnomAD 0.00004 and 0.00005; TOPMed 0.00007; 1000 Genomes Project 30x 0.00031.

Submission:

Labcorp Genetics (formerly Invitae), Labcorp
Classification: Uncertain significance. Last evaluated: 2022-11-01. Review status: criteria provided, single submitter. Criteria: Invitae Variant Classification Sherloc (09022015). Collection method: clinical testing. Allele origin: germline.
Comment: This variant, c.9541_9543del, results in the deletion of 1 amino acid(s) of the UNC80 protein (p.Lys3181del), but otherwise preserves the integrity of the reading frame. This variant is present in population databases (rs796199021, gnomAD 0.01%). This variant has not been reported in the literature in individuals affected with UNC80-related conditions. ClinVar contains an entry for this variant (Variation ID: 1381499). Experimental studies and prediction algorithms are not available or were not evaluated, and the functional significance of this variant is currently unknown. In summary, the available evidence is currently insufficient to determine the role of this variant in disease. Therefore, it has been classified as a Variant of Uncertain Significance.

NM_001371986.1(UNC80):c.9739_9741del (p.Lys3247del)

Gene: UNC80 (unc-80 homolog, NALCN channel complex subunit; plus strand). Cytogenetic location: 2q34.
Variant type: Deletion.
Coding change: c.9739_9741del on transcript NM_001371986.1 (MANE Select); coding-DNA positions 9739 to 9741, 3 bases deleted (AAG; older notation c.9739_9741delAAG).
Protein change: p.Lys3247del; deletes lysine 3247.
Molecular consequence: inframe deletion.
Genome position (GRCh38, 1-based): chr2:209,995,359-209,995,361, AAG deleted. VCF-style (leftmost placement, unchanged base first): chr2-209995358-AAAG-A. GRCh37 (hg19) VCF-style: chr2-210860082-AAAG-A.
Other names: c.9541_9543del, p.Lys3181del (NM_032504.2); c.9469_9471del, p.Lys3157del (NM_182587.4); short protein forms K3181del, K3247del, K3157del.
Identifiers: ClinVar variation 1381499 (VCV001381499.5), dbSNP rs796199021, ClinGen allele CA64665944.
Genomic context (GRCh38, chr2:209,995,358, plus strand): 5'-TTCCATAATGTTATGATCCTTTTGATCACAGAGTGAGAACTTCCCCACTGAAGAAGGAGA[AAAG>A]GAGGAGGACACAGAAGCACAAGGTGCTACTGCACACAGTCCACTCTCTGCCCAACTCTCT-3'